The following is an entry in ClinVar:

ClinVar aggregate classification (germline): Uncertain significance (1 of 4 stars; one submission).

Conditions:
Neuropathy, hereditary sensory and autonomic, type 2A (HSAN2A). Also called: WNK1-Related HSAN2 (HSAN2A); MORVAN DISEASE; NEUROPATHY, CONGENITAL SENSORY; NEUROPATHY, HEREDITARY SENSORY RADICULAR, AUTOSOMAL RECESSIVE; NEUROPATHY, HEREDITARY SENSORY, TYPE IIA; NEUROPATHY, PROGRESSIVE SENSORY, OF CHILDREN. Identifiers: Orphanet 970, MedGen C2752089, MONDO:0024309, OMIM 201300.
Pseudohypoaldosteronism type 2C (PHA2C). Also called: Pseudohypoaldosteronism Type IIC. Identifiers: Orphanet 757, Orphanet 88940, MedGen C1840391, MONDO:0013778, OMIM 614492.

Allele frequency attached by ClinVar (database versions not stated): TOPMed below 0.00001; gnomAD 0.00001; gnomAD exomes 0.00001.
gnomAD v4.1: 9 of 1,613,702 alleles (0.00056%); highest among the groups gnomAD compares: Non-Finnish European, 0.00076%; no homozygotes.

Submission:

Labcorp Genetics (formerly Invitae), Labcorp
Classification: Uncertain significance for Neuropathy, hereditary sensory and autonomic, type 2A; Pseudohypoaldosteronism type 2C. Last evaluated: 2021-07-28. Review status: criteria provided, single submitter. Criteria: Invitae Variant Classification Sherloc (09022015). Collection method: clinical testing. Allele origin: germline.
Comment: This variant is not present in population databases (ExAC no frequency). This sequence change replaces glycine with glutamic acid at codon 1806 of the WNK1 protein (p.Gly1806Glu). The glycine residue is highly conserved and there is a moderate physicochemical difference between glycine and glutamic acid. This variant has not been reported in the literature in individuals affected with WNK1-related conditions. In summary, the available evidence is currently insufficient to determine the role of this variant in disease. Therefore, it has been classified as a Variant of Uncertain Significance. Advanced modeling of protein sequence and biophysical properties (such as structural, functional, and spatial information, amino acid conservation, physicochemical variation, residue mobility, and thermodynamic stability) performed at Invitae indicates that this missense variant is not expected to disrupt WNK1 protein function.

NM_018979.4(WNK1):c.4661G>A (p.Gly1554Glu)

Gene: WNK1 (WNK lysine deficient protein kinase 1; plus strand). Cytogenetic location: 12p13.33.
Variant type: single nucleotide variant.
Coding change: c.4661G>A on transcript NM_018979.4 (MANE Select); coding-DNA position 4661, G replaced by A.
Protein change: p.Gly1554Glu; replaces glycine 1554 with glutamic acid.
Molecular consequence: missense variant.
Genome position (GRCh38, 1-based): chr12:885,465, G>A. VCF-style: chr12-885465-G-A. GRCh37 (hg19) VCF-style: chr12-994631-G-A.
Other names: c.5441G>A, p.Gly1814Glu (NM_001184985.2); c.3920G>A, p.Gly1307Glu (NM_014823.3); c.5417G>A, p.Gly1806Glu (NM_213655.5); short protein forms G1806E, G1814E, G1307E, G1554E.
Identifiers: ClinVar variation 1357907 (VCV001357907.6), dbSNP rs1180253355, ClinGen allele CA383331674.